The following is an entry in ClinVar:

NM_022124.6(CDH23):c.5224C>T (p.Pro1742Ser)

Gene: CDH23 (cadherin related 23; plus strand). Cytogenetic location: 10q22.1.
Variant type: single nucleotide variant.
Coding change: c.5224C>T on transcript NM_022124.6 (MANE Select); coding-DNA position 5224, C replaced by T.
Protein change: p.Pro1742Ser; replaces proline 1742 with serine.
Molecular consequence: missense variant.
Genome position (GRCh38, 1-based): chr10:71,779,303, C>T. VCF-style: chr10-71779303-C-T. GRCh37 (hg19) VCF-style: chr10-73539060-C-T.
Other names: short protein forms P1742S.
Identifiers: ClinVar variation 4087735 (VCV004087735.2).

ClinVar aggregate classification (germline): Uncertain significance (1 of 4 stars; one submission).

Conditions:
Monogenic hearing loss.

gnomAD v4.1: 3 of 1,614,046 alleles (0.00019%); highest among the groups gnomAD compares: East Asian, 0.0022%; no homozygotes.

Submission:

Genetics Laboratory, Great Ormond Street Hospital NHS Foundation Trust, North Thames Genomic Laboratory Hub
Classification: Uncertain significance for Monogenic hearing loss. Last evaluated: 2026-08-04. Review status: criteria provided, single submitter. Criteria: ACGS Best Practice Guidelines for Variant Classification in Rare Disease 2024 v1.2. Collection method: clinical testing. Allele origin: germline. Affected: yes.
Comment: PM2_moderate, PP3_supporting, PM3_moderate